The following is an entry in ClinVar:

NM_002181.4(IHH):c.1194G>C (p.Glu398Asp)

Gene: IHH (Indian hedgehog signaling molecule; minus strand). Cytogenetic location: 2q35.
Variant type: single nucleotide variant.
Coding change: c.1194G>C on transcript NM_002181.4 (MANE Select); coding-DNA position 1194, G replaced by C.
Protein change: p.Glu398Asp; replaces glutamic acid 398 with aspartic acid.
Molecular consequence: missense variant.
Genome position (GRCh38, 1-based): chr2:219,055,249, C>G on the plus strand (G>C on the coding strand, the complement: IHH is on the minus strand). VCF-style: chr2-219055249-C-G. GRCh37 (hg19) VCF-style: chr2-219919971-C-G.
Other names: c.1194G>C (NM_002181.3); short protein forms E398D.
Identifiers: ClinVar variation 592980 (VCV000592980.13), dbSNP rs748831066, ClinGen allele CA2116517.

ClinVar aggregate classification (germline): Uncertain significance. Review status: criteria provided, multiple submitters, no conflicts (2 of 4 stars). 3 submissions from 3 submitters: Uncertain significance (3). Last evaluated 2026-01-13.

Conditions:
Inborn genetic diseases. Identifiers: MedGen C0950123, MeSH D030342.

Allele frequency attached by ClinVar (database versions not stated): ExAC 0.00002; gnomAD 0.00003 and 0.00004; gnomAD exomes 0.00003; TOPMed 0.00003.

Submissions (3):

Labcorp Genetics (formerly Invitae), Labcorp
Classification: Uncertain significance. Last evaluated: 2026-01-13. Review status: criteria provided, single submitter. Criteria: Invitae Variant Classification Sherloc (09022015). Collection method: clinical testing. Allele origin: germline.
Comment: This sequence change replaces glutamic acid, which is acidic and polar, with aspartic acid, which is acidic and polar, at codon 398 of the IHH protein (p.Glu398Asp). This variant is present in population databases (rs748831066, gnomAD 0.009%). This variant has not been reported in the literature in individuals affected with IHH-related conditions. ClinVar contains an entry for this variant (Variation ID: 592980). Invitae Evidence Modeling of protein sequence and biophysical properties (such as structural, functional, and spatial information, amino acid conservation, physicochemical variation, residue mobility, and thermodynamic stability) indicates that this missense variant is not expected to disrupt IHH protein function with a negative predictive value of 80%. In summary, the available evidence is currently insufficient to determine the role of this variant in disease. Therefore, it has been classified as a Variant of Uncertain Significance.

Ambry Genetics
Classification: Uncertain significance for Inborn genetic diseases. Last evaluated: 2024-05-10. Review status: criteria provided, single submitter. Criteria: Ambry Variant Classification Scheme 2023. Collection method: clinical testing. Allele origin: germline.

Eurofins Ntd Llc (ga)
Classification: Uncertain significance. Last evaluated: 2017-07-13. Review status: criteria provided, single submitter. Criteria: EGL Classification Definitions 2015. Collection method: clinical testing. Allele origin: germline. Observed: 1 variant allele, 1 heterozygote.